The following is an entry in ClinVar:

ClinVar aggregate classification (germline): Likely benign. Review status: criteria provided, single submitter (1 of 4 stars). 2 submissions from 2 submitters: Likely benign (1). 1 of the submissions does not count toward it. Last evaluated 2026-01-21.

Conditions:
THAP11-related disorder. Also called: THAP11-related condition.

Submissions (2):

Labcorp Genetics (formerly Invitae), Labcorp
Classification: Likely benign. Last evaluated: 2026-01-21. Review status: criteria provided, single submitter. Criteria: Invitae Variant Classification Sherloc (09022015). Collection method: clinical testing. Allele origin: germline.

PreventionGenetics, part of Exact Sciences
Classification: Likely benign for THAP11-related condition. Last evaluated: 2020-02-19. Review status: no assertion criteria provided. Collection method: clinical testing. Allele origin: germline. Not counted in ClinVar's aggregate classification.
Comment: This variant is classified as likely benign based on ACMG/AMP sequence variant interpretation guidelines (Richards et al. 2015 PMID: 25741868, with internal and published modifications).

NM_020457.3(THAP11):c.351GCA[7] (p.Gln132_Ser133insGlnGln)

Genes: CENPT (centromere protein T; minus strand), THAP11 (THAP domain containing 11; plus strand). Cytogenetic location: 16q22.1.
Variant type: Microsatellite.
Coding change: c.351GCA[7] on transcript NM_020457.3 (MANE Select); seven copies in a row of the 3-base unit GCA starting at c.351; the reference has five copies in a row; two copies, 6 bases duplicated.
Protein change: p.Gln132_Ser133insGlnGln.
Molecular consequence: inframe insertion. On other transcripts: intron variant (1).
Genome position (GRCh38, 1-based): chr16:67,842,914-67,842,919, GCAGCA duplicated; duplicating any 6 consecutive bases within chr16:67,842,903-67,842,919 gives the same sequence; the position shown is the placement nearest the transcript's 3' end. VCF-style (leftmost placement, unchanged base first): chr16-67842902-A-ACAGCAG. GRCh37 (hg19) VCF-style: chr16-67876805-A-ACAGCAG.
Other names: c.-492+4484CTG[7] (NM_025082.4).
Identifiers: ClinVar variation 2068867 (VCV002068867.6), dbSNP rs955056927, ClinGen allele CA623121737.
Genomic context (GRCh38, chr16:67,842,902, plus strand): 5'-GGCCGCGGCCGCCCGCCGCAGGCAGCAGCAGCAACAGCAGCAGCAGCAGCAACAGCAGCA[A>ACAGCAG]CAGCAGCAGCAGCAGCAACAGCAGCAGCAGCAGCAGCAGCAGCAGCAGTCCTCACCCTCT-3'